The following is an entry in ClinVar:

ClinVar aggregate classification (germline): Uncertain significance (1 of 4 stars; one submission).

Conditions:
Autosomal dominant nocturnal frontal lobe epilepsy 5. Also called: Epilepsy, nocturnal frontal lobe, 5; CILIARY DYSKINESIA, PRIMARY, 28, WITHOUT SITUS INVERSUS; CILIARY DYSKINESIA, PRIMARY, 28, WITH SITUS INVERSUS; KCNT1-Related Epilepsy. Identifiers: Orphanet 98784, MedGen C3554306, MONDO:0014002, OMIM 615005.
Developmental and epileptic encephalopathy, 14 (DEE14). Also called: Early infantile epileptic encephalopathy 14. Identifiers: Orphanet 293181, MedGen C3554195, MONDO:0013989, OMIM 614959.

Allele frequency attached by ClinVar (database versions not stated): gnomAD exomes below 0.00001.
gnomAD v4.1: 1 of 1,613,104 alleles (0.000062%); highest among the groups gnomAD compares: East Asian, 0.0022%; no homozygotes.

Submission:

Labcorp Genetics (formerly Invitae), Labcorp
Classification: Uncertain significance for Autosomal dominant nocturnal frontal lobe epilepsy 5; Developmental and epileptic encephalopathy, 14. Last evaluated: 2024-02-07. Review status: criteria provided, single submitter. Criteria: Invitae Variant Classification Sherloc (09022015). Collection method: clinical testing. Allele origin: germline.
Comment: This sequence change replaces alanine, which is neutral and non-polar, with serine, which is neutral and polar, at codon 259 of the KCNT1 protein (p.Ala259Ser). This variant is not present in population databases (gnomAD no frequency). This variant has not been reported in the literature in individuals affected with KCNT1-related conditions. Advanced modeling of protein sequence and biophysical properties (such as structural, functional, and spatial information, amino acid conservation, physicochemical variation, residue mobility, and thermodynamic stability) performed at Invitae indicates that this missense variant is not expected to disrupt KCNT1 protein function with a negative predictive value of 80%. This variant disrupts the p.Ala259 amino acid residue in KCNT1. Other variant(s) that disrupt this residue have been determined to be pathogenic (Invitae). This suggests that this residue is clinically significant, and that variants that disrupt this residue are likely to be disease-causing. In summary, the available evidence is currently insufficient to determine the role of this variant in disease. Therefore, it has been classified as a Variant of Uncertain Significance.

NM_020822.3(KCNT1):c.775G>T (p.Ala259Ser)

Gene: KCNT1 (potassium sodium-activated channel subfamily T member 1; plus strand). Cytogenetic location: 9q34.3.
Variant type: single nucleotide variant.
Coding change: c.775G>T on transcript NM_020822.3 (MANE Select); coding-DNA position 775, G replaced by T.
Protein change: p.Ala259Ser; replaces alanine 259 with serine.
Molecular consequence: missense variant.
Genome position (GRCh38, 1-based): chr9:135,758,429, G>T. VCF-style: chr9-135758429-G-T. GRCh37 (hg19) VCF-style: chr9-138650275-G-T.
Other names: c.631G>T, p.Ala211Ser (NM_001272003.2); short protein forms A259S, A211S.
Identifiers: ClinVar variation 2932508 (VCV002932508.3), dbSNP rs1831666357, ClinGen allele CA375498077.
Genomic context (GRCh38, chr9:135,758,429, plus strand): 5'-GGGTCCACAGTCCCTGCCCGCTGACAGCCACCACTCCTTCCACAGAATGACTTCCACCGT[G>T]CCATCCTGCGGACACAGTCAGCCATGTTCAACCAGGTCCTCATCCTCTTCTGCACCCTGC-3'
Protein context (NP_065873.2, residues 249-269): LENMINDFHR[Ala259Ser]ILRTQSAMFN